The following is an entry in ClinVar:

NM_152631.3(FAM47B):c.1854C>T (p.Tyr618=)

Gene: FAM47B (family with sequence similarity 47 member B; plus strand). Cytogenetic location: Xp21.1.
Variant type: single nucleotide variant.
Coding change: c.1854C>T on transcript NM_152631.3 (MANE Select); coding-DNA position 1854, C replaced by T.
Protein change: p.Tyr618=; no amino-acid change (tyrosine 618 retained).
Molecular consequence: synonymous variant.
Genome position (GRCh38, 1-based): chrX:34,944,685, C>T. VCF-style: chrX-34944685-C-T. GRCh37 (hg19) VCF-style: chrX-34962802-C-T.
Identifiers: ClinVar variation 2660257 (VCV002660257.24), dbSNP rs761991298, ClinGen allele CA10381176.

ClinVar aggregate classification (germline): Likely benign (1 of 4 stars; one submission).

Allele frequency attached by ClinVar (database versions not stated): ExAC 0.00001.
gnomAD v4.1: 23 of 1,208,815 alleles (0.0019%); highest among the groups gnomAD compares: Middle Eastern, 0.023%; no homozygotes.

Submission:

CeGaT Center for Human Genetics Tuebingen
Classification: Likely benign. Last evaluated: 2022-08-01. Review status: criteria provided, single submitter. Criteria: CeGaT Center For Human Genetics Tuebingen Variant Classification Criteria Version 2. Collection method: clinical testing. Allele origin: germline. Affected: yes. Observed: 1 variant allele.
Comment: FAM47B: BP4, BP7